The following is an entry in ClinVar:

NM_001378778.1(MPDZ):c.1792G>A (p.Glu598Lys)

Gene: MPDZ (multiple PDZ domain crumbs cell polarity complex component; minus strand). Cytogenetic location: 9p23.
Variant type: single nucleotide variant.
Coding change: c.1792G>A on transcript NM_001378778.1 (MANE Select); coding-DNA position 1792, G replaced by A.
Protein change: p.Glu598Lys; replaces glutamic acid 598 with lysine.
Molecular consequence: missense variant.
Genome position (GRCh38, 1-based): chr9:13,193,178, C>T on the plus strand (G>A on the coding strand, the complement: MPDZ is on the minus strand). VCF-style: chr9-13193178-C-T. GRCh37 (hg19) VCF-style: chr9-13193177-C-T.
Other names: c.1792G>A, p.Glu598Lys (NM_001261406.2, NM_001261407.2, NM_001330637.2 and 14 more transcripts); short protein forms E598K.
Identifiers: ClinVar variation 1396183 (VCV001396183.5), dbSNP rs771930410, ClinGen allele CA4987675.

ClinVar aggregate classification (germline): Uncertain significance (1 of 4 stars; one submission).

Allele frequency attached by ClinVar (database versions not stated): gnomAD 0.00003; TOPMed 0.00002.
gnomAD v4.1: 10 of 1,579,162 alleles (0.00063%); highest among the groups gnomAD compares: African/African-American, 0.0054%; no homozygotes.

Submission:

Labcorp Genetics (formerly Invitae), Labcorp
Classification: Uncertain significance. Last evaluated: 2021-09-01. Review status: criteria provided, single submitter. Criteria: Invitae Variant Classification Sherloc (09022015). Collection method: clinical testing. Allele origin: germline.
Comment: This sequence change replaces glutamic acid with lysine at codon 598 of the MPDZ protein (p.Glu598Lys). The glutamic acid residue is highly conserved and there is a small physicochemical difference between glutamic acid and lysine. This variant is present in population databases (rs771930410, ExAC 0.002%). This variant has not been reported in the literature in individuals affected with MPDZ-related conditions. Algorithms developed to predict the effect of missense changes on protein structure and function (SIFT, PolyPhen-2, Align-GVGD) all suggest that this variant is likely to be disruptive. In summary, the available evidence is currently insufficient to determine the role of this variant in disease. Therefore, it has been classified as a Variant of Uncertain Significance.